The following is an entry in ClinVar:

NM_000213.5(ITGB4):c.3751del (p.Thr1251fs)

Gene: ITGB4 (integrin subunit beta 4; plus strand). Cytogenetic location: 17q25.1.
Variant type: Deletion.
Coding change: c.3751del on transcript NM_000213.5 (MANE Select); coding-DNA position 3751, one base deleted (A; older notation c.3751delA).
Protein change: p.Thr1251fs; shifts the reading frame from threonine 1251.
Molecular consequence: frameshift variant.
Genome position (GRCh38, 1-based): chr17:75,751,069, A deleted. VCF-style (leftmost placement, unchanged base first): chr17-75751068-CA-C. GRCh37 (hg19) VCF-style: chr17-73747149-CA-C.
Other names: c.3751delA, p.Thr1251Glnfs (NM_001005619.2); c.3751del, p.Thr1251fs (NM_001321123.2, NM_001005731.3); short protein forms T1251fs.
Identifiers: ClinVar variation 2843129 (VCV002843129.3), dbSNP rs2545841476, ClinGen allele CA2639878864.
Genomic context (GRCh38, chr17:75,751,068, plus strand): 5'-CGTCTCCTCCACGGTGACCCAGCTGAGCTGGGCTGAGCCGGCTGAGACCAACGGTGAGAT[CA>C]CAGCCTACGAGGTCTGCTATGGCCTGGTCAACGATGACAACCGTAAGAACCAGATCCTTC-3'

ClinVar aggregate classification (germline): Pathogenic (1 of 4 stars; one submission).

Allele frequency attached by ClinVar (database versions not stated): gnomAD exomes below 0.00001.

Submission:

Labcorp Genetics (formerly Invitae), Labcorp
Classification: Pathogenic. Last evaluated: 2024-02-23. Review status: criteria provided, single submitter. Criteria: Invitae Variant Classification Sherloc (09022015). Collection method: clinical testing. Allele origin: germline.
Comment: This sequence change creates a premature translational stop signal (p.Thr1251Glnfs*20) in the ITGB4 gene. It is expected to result in an absent or disrupted protein product. Loss-of-function variants in ITGB4 are known to be pathogenic (PMID: 11328943, 16473856). This variant is not present in population databases (gnomAD no frequency). This variant has not been reported in the literature in individuals affected with ITGB4-related conditions. For these reasons, this variant has been classified as Pathogenic.

Literature cited by the submitters: PubMed 11328943; PubMed 16473856.